The following is an entry in ClinVar:

NM_000092.5(COL4A4):c.4247G>A (p.Arg1416Lys)

Gene: COL4A4 (collagen type IV alpha 4 chain; minus strand). Cytogenetic location: 2q36.3.
Variant type: single nucleotide variant.
Coding change: c.4247G>A on transcript NM_000092.5 (MANE Select); coding-DNA position 4247, G replaced by A.
Protein change: p.Arg1416Lys; replaces arginine 1416 with lysine.
Molecular consequence: missense variant.
Genome position (GRCh38, 1-based): chr2:227,012,267, C>T on the plus strand (G>A on the coding strand, the complement: COL4A4 is on the minus strand). VCF-style: chr2-227012267-C-T. GRCh37 (hg19) VCF-style: chr2-227876983-C-T.
Other names: short protein forms R1416K.
Identifiers: ClinVar variation 898623 (VCV000898623.6), dbSNP rs370734150, ClinGen allele CA2144225.

ClinVar aggregate classification (germline): Uncertain significance. Review status: criteria provided, multiple submitters, no conflicts (2 of 4 stars). 3 submissions from 3 submitters: Uncertain significance (3). Last evaluated 2024-12-03.

Conditions:
Alport syndrome. Also called: Hemorrhagic familial nephritis; Hemorrhagic hereditary nephritis; Congenital hereditary hematuria. Identifiers: Orphanet 63, MedGen C1567741, MONDO:0018965.
COL4A4-related disorder.

Allele frequency attached by ClinVar (database versions not stated): ExAC 0.00002; TOPMed 0.00002; gnomAD exomes 0.00003; gnomAD 0.00004; ESP Exome Variant Server 0.00008; 1000 Genomes Project 30x 0.00016; 1000 Genomes Project 0.00020.
gnomAD v4.1: 57 of 1,614,116 alleles (0.0035%); highest among the groups gnomAD compares: Admixed American, 0.005%; no homozygotes.

Submissions (3):

PreventionGenetics, part of Exact Sciences
Classification: Uncertain significance for COL4A4-related condition. Last evaluated: 2024-12-03. Review status: criteria provided, single submitter. Criteria: ACMG Guidelines, 2015. Collection method: clinical testing. Allele origin: germline.
Comment: The COL4A4 c.4247G>A variant is predicted to result in the amino acid substitution p.Arg1416Lys. To our knowledge, this variant has not been reported in the literature. This variant is reported in 0.0070% of alleles in individuals of European (Non-Finnish) descent in gnomAD. At this time, the clinical significance of this variant is uncertain due to the absence of conclusive functional and genetic evidence.

Labcorp Genetics (formerly Invitae), Labcorp
Classification: Uncertain significance. Last evaluated: 2022-06-05. Review status: criteria provided, single submitter. Criteria: Invitae Variant Classification Sherloc (09022015). Collection method: clinical testing. Allele origin: germline.
Comment: This sequence change replaces arginine, which is basic and polar, with lysine, which is basic and polar, at codon 1416 of the COL4A4 protein (p.Arg1416Lys). This variant is present in population databases (rs370734150, gnomAD 0.007%). This variant has not been reported in the literature in individuals affected with COL4A4-related conditions. ClinVar contains an entry for this variant (Variation ID: 898623). Advanced modeling of protein sequence and biophysical properties (such as structural, functional, and spatial information, amino acid conservation, physicochemical variation, residue mobility, and thermodynamic stability) performed at Invitae indicates that this missense variant is not expected to disrupt COL4A4 protein function. In summary, the available evidence is currently insufficient to determine the role of this variant in disease. Therefore, it has been classified as a Variant of Uncertain Significance.

Illumina Laboratory Services, Illumina
Classification: Uncertain significance for Alport syndrome. Last evaluated: 2018-01-13. Review status: criteria provided, single submitter. Criteria: ICSL Variant Classification Criteria 13 December 2019. Collection method: clinical testing. Allele origin: germline.